The following is an entry in ClinVar:

ClinVar aggregate classification (germline): Pathogenic/Likely pathogenic. Review status: criteria provided, multiple submitters, no conflicts (2 of 4 stars). 3 submissions from 3 submitters: Pathogenic (1); Likely pathogenic (2). Last evaluated 2024-10-09.

Conditions:
Ehlers-Danlos syndrome, dermatosparaxis type. Also called: Dermatosparaxis; Ehlers-Danlos syndrome, type VII, autosomal recessive; EDS VIIC. Identifiers: Orphanet 1901, MedGen C2700425, MONDO:0009161, OMIM 225410.

Submissions (3):

Natera, Inc.
Classification: Likely pathogenic for Ehlers-Danlos syndrome type VIIC. Last evaluated: 2024-10-09. Review status: criteria provided, single submitter. Criteria: Natera Variant Classification Schema (03/2026). Collection method: clinical testing. Allele origin: germline.
Comment: The c.97_130del variant in ADAMTS2 is a frameshift variant predicted to shift the reading frame beginning at codon 33 and leads to a stop codon 121 codons downstream. This variant is expected to result in nonsense mediated decay, truncation, or a dysfunctional protein product. This variant is rare in the general population with a frequency below the threshold expected for the associated phenotype(s). Given the available evidence, this variant is classified as Likely Pathogenic.

Labcorp Genetics (formerly Invitae), Labcorp
Classification: Pathogenic for Ehlers-Danlos syndrome, dermatosparaxis type. Last evaluated: 2023-11-08. Review status: criteria provided, single submitter. Criteria: Invitae Variant Classification Sherloc (09022015). Collection method: clinical testing. Allele origin: germline.
Comment: This sequence change creates a premature translational stop signal (p.Pro33Thrfs*121) in the ADAMTS2 gene. It is expected to result in an absent or disrupted protein product. Loss-of-function variants in ADAMTS2 are known to be pathogenic (PMID: 10417273). This variant is not present in population databases (gnomAD no frequency). This variant has not been reported in the literature in individuals affected with ADAMTS2-related conditions. For these reasons, this variant has been classified as Pathogenic.

Department of Pathology and Laboratory Medicine, Sinai Health System
Classification: Likely pathogenic for Ehlers-Danlos syndrome, dermatosparaxis type. Last evaluated: 2022-05-06. Review status: criteria provided, single submitter. Criteria: ACMG Guidelines, 2015. Collection method: research. Allele origin: germline.

Literature cited by the submitters: PubMed 10417273 (cited by Labcorp Genetics (formerly Invitae), Labcorp).

NM_014244.5(ADAMTS2):c.97_130del (p.Pro33fs)

Gene: ADAMTS2 (ADAM metallopeptidase with thrombospondin type 1 motif 2; minus strand). Cytogenetic location: 5q35.3.
Variant type: Deletion.
Coding change: c.97_130del on transcript NM_014244.5 (MANE Select); coding-DNA positions 97 to 130, 34 bases deleted.
Protein change: p.Pro33fs; shifts the reading frame from proline 33.
Molecular consequence: frameshift variant.
Genome position (GRCh38, 1-based): chr5:179,345,199-179,345,232, 34 bases deleted; deleting any 34 consecutive bases within chr5:179,345,199-179,345,245 gives the same sequence; the c. name uses the placement nearest the transcript's 3' end. GRCh37 (hg19): chr5:178,772,213-178,772,246.
Other names: c.97_130del, p.Pro33fs (NM_021599.4); c.97_130del (NM_014244.4); short protein forms P33fs.
Identifiers: ClinVar variation 3724262 (VCV003724262.4).